The following is an entry in ClinVar:

NM_007294.4(BRCA1):c.5319C>G (p.Thr1773=)

Gene: BRCA1 (BRCA1 DNA repair associated; minus strand). Cytogenetic location: 17q21.31.
Variant type: single nucleotide variant.
Coding change: c.5319C>G on transcript NM_007294.4 (MANE Select); coding-DNA position 5319, C replaced by G.
Protein change: p.Thr1773=; no amino-acid change (threonine 1773 retained).
Molecular consequence: synonymous variant. On other transcripts: intron variant (2).
Genome position (GRCh38, 1-based): chr17:43,051,076, G>C on the plus strand (C>G on the coding strand, the complement: BRCA1 is on the minus strand). VCF-style: chr17-43051076-G-C. GRCh37 (hg19) VCF-style: chr17-41203093-G-C.
Other names: c.4986C>G, p.Thr1662= (NM_001407946.1, NM_001407947.1, NM_001407948.1 and 1 more transcripts); c.4983C>G, p.Thr1661= (NM_001407950.1, NM_001407951.1, NM_001407952.1 and 3 more transcripts); c.4980C>G, p.Thr1660= (NM_001407956.1, NM_001407957.1, NM_001407958.1); c.4938C>G, p.Thr1646= (NM_001407959.1); c.4935C>G, p.Thr1645= (NM_001407960.1, NM_001407962.1); c.4932C>G, p.Thr1644= (NM_001407963.1); c.4857C>G, p.Thr1619= (NM_001407964.1); c.4812C>G, p.Thr1604= (NM_001407965.1); and 74 more.
Identifiers: ClinVar variation 514634 (VCV000514634.4), dbSNP rs1555575689, ClinGen allele CA500143582.
Genomic context (GRCh38, chr17:43,051,076, plus strand): 5'-AAGACAAAGGCTGGTGCTGGAACTCTGGGGTTCTCCCAGGCTCTTACCTGTGGGCATGTT[G>C]GTGAAGGGCCCATAGCAACAGATTTCTAGCCCCCTGAAGATCTGGAAGAAGAGAGGAAGA-3'
Protein context (NP_009225.1, residues 1763-1783): GLEICCYGPF[Thr1773=]NMPTDQLEWM

ClinVar aggregate classification (germline): Likely benign (1 of 4 stars; one submission).

Allele frequency attached by ClinVar (database versions not stated): gnomAD exomes below 0.00001.
gnomAD v4.1: 6 of 1,614,018 alleles (0.00037%); highest among the groups gnomAD compares: Non-Finnish European, 0.00051%; no homozygotes.

Submissions (2):

GeneDx
Classification: Likely benign. Last evaluated: 2018-01-12. Review status: criteria provided, single submitter. Criteria: GeneDx Variant Classification (06012015). Collection method: clinical testing. Allele origin: germline. Affected: yes.
Comment: This variant is considered likely benign or benign based on one or more of the following criteria: it is a conservative change, it occurs at a poorly conserved position in the protein, it is predicted to be benign by multiple in silico algorithms, and/or has population frequency not consistent with disease.

Brotman Baty Institute, University of Washington
No classification provided (evidence only). Condition: Breast-ovarian cancer, familial 1. Review status: no classification provided. Collection method: in vitro. Allele origin: not applicable. Functional consequence: functionally_normal. Not counted in ClinVar's aggregate classification.
ClinVar note: "not provided" was previously submitted as the classification for the variant. However, the classification appeared to be based only on an observation of functional data so it was converted to no classification on 2025-07-30.